The following is an entry in ClinVar:

ClinVar aggregate classification (germline): Benign/Likely benign. Review status: criteria provided, multiple submitters, no conflicts (2 of 4 stars). 7 submissions from 7 submitters: Benign (1); Likely benign (4). 2 of the submissions do not count toward it. Last evaluated 2026-05-04.

Conditions:
Cardiovascular phenotype. Identifiers: MedGen CN230736.

Allele frequency attached by ClinVar (database versions not stated): gnomAD exomes 0.00031; ExAC 0.00080; gnomAD 0.00247 and 0.00255; TOPMed 0.00247; 1000 Genomes Project 0.00359; 1000 Genomes Project 30x 0.00406.
gnomAD v4.1: 651 of 1,550,454 alleles (0.042%); highest among the groups gnomAD compares: African/African-American, 0.82%; 4 homozygotes.

Submissions (7):

Women's Health and Genetics/Laboratory Corporation of America, LabCorp
Classification: Likely benign. Last evaluated: 2026-05-04. Review status: criteria provided, single submitter. Criteria: LabCorp Variant Classification Summary - May 2015. Collection method: clinical testing. Allele origin: germline.
Comment: Variant summary: ZNF469 c.4198C>A (p.Pro1400Thr) results in a non-conservative amino acid change in the encoded protein sequence. Algorithms developed to predict the effect of missense changes on protein structure and function are either unavailable or do not agree on the potential impact of this missense change. The variant allele was found at a frequency of 0.00031 in 153590 control chromosomes, predominantly at a frequency of 0.0057 within the African or African-American subpopulation in the gnomAD database. The observed variant frequency within African or African-American control individuals in the gnomAD database exceeds the estimated maximal expected allele frequency for disease-causing variants in ZNF469. To our knowledge, no occurrence of c.4198C>A in individuals affected with ZNF469-related conditions and no experimental evidence demonstrating its impact on protein function have been reported. ClinVar contains an entry for this variant (Variation ID: 320917). Based on the evidence outlined above, the variant was classified as likely benign.

Labcorp Genetics (formerly Invitae), Labcorp
Classification: Likely benign. Last evaluated: 2026-01-27. Review status: criteria provided, single submitter. Criteria: Invitae Variant Classification Sherloc (09022015). Collection method: clinical testing. Allele origin: germline.

CeGaT Center for Human Genetics Tuebingen
Classification: Likely benign. Last evaluated: 2025-01-01. Review status: criteria provided, single submitter. Criteria: CeGaT Center For Human Genetics Tuebingen Variant Classification Criteria Version 2. Collection method: clinical testing. Allele origin: germline. Affected: yes. Observed: 1 variant allele.
Comment: ZNF469: BP4, BS2

GeneDx
Classification: Likely benign. Last evaluated: 2021-09-16. Review status: criteria provided, single submitter. Criteria: GeneDx Variant Classification Process June 2021. Collection method: clinical testing. Allele origin: germline. Affected: yes.

Ambry Genetics
Classification: Benign for Cardiovascular phenotype. Last evaluated: 2020-03-18. Review status: criteria provided, single submitter. Criteria: Ambry Variant Classification Scheme 2023. Collection method: clinical testing. Allele origin: germline.

Clinical Genetics DNA and cytogenetics Diagnostics Lab, Erasmus MC, Erasmus Medical Center
Classification: Likely benign. Review status: no assertion criteria provided. Collection method: clinical testing. Allele origin: germline. Affected: yes. Study: VKGL Data-share Consensus. Not counted in ClinVar's aggregate classification.

Genome Diagnostics Laboratory, Amsterdam University Medical Center
Classification: Likely benign. Review status: no assertion criteria provided. Collection method: clinical testing. Allele origin: germline. Affected: yes. Study: VKGL Data-share Consensus. Not counted in ClinVar's aggregate classification.

NM_001367624.2(ZNF469):c.4198C>A (p.Pro1400Thr)

Gene: ZNF469 (zinc finger protein 469; plus strand). Cytogenetic location: 16q24.2.
Variant type: single nucleotide variant.
Coding change: c.4198C>A on transcript NM_001367624.2 (MANE Select); coding-DNA position 4198, C replaced by A.
Protein change: p.Pro1400Thr; replaces proline 1400 with threonine.
Molecular consequence: missense variant.
Genome position (GRCh38, 1-based): chr16:88,431,668, C>A. VCF-style: chr16-88431668-C-A. GRCh37 (hg19) VCF-style: chr16-88498076-C-A.
Other names: NM_001127464.1:c.4114C>A; short protein forms P1400T.
Identifiers: ClinVar variation 320917 (VCV000320917.34), dbSNP rs145158875, ClinGen allele CA8224921.